The following is an entry in ClinVar:

ClinVar aggregate classification (germline): Uncertain significance (1 of 4 stars; one submission).

Conditions:
Tuberous sclerosis 2 (TSC2). Identifiers: Orphanet 805, MedGen C1860707, MONDO:0013199, OMIM 613254.

Submission:

Labcorp Genetics (formerly Invitae), Labcorp
Classification: Uncertain significance for Tuberous sclerosis 2. Last evaluated: 2025-07-31. Review status: criteria provided, single submitter. Criteria: Invitae Variant Classification Sherloc (09022015). Collection method: clinical testing. Allele origin: germline.
Comment: This sequence change replaces proline, which is neutral and non-polar, with arginine, which is basic and polar, at codon 542 of the TSC2 protein (p.Pro542Arg). This variant is not present in population databases (gnomAD no frequency). This variant has not been reported in the literature in individuals affected with TSC2-related conditions. ClinVar contains an entry for this variant (Variation ID: 406040). Invitae Evidence Modeling of protein sequence and biophysical properties (such as structural, functional, and spatial information, amino acid conservation, physicochemical variation, residue mobility, and thermodynamic stability) indicates that this missense variant is not expected to disrupt TSC2 protein function with a negative predictive value of 95%. In summary, the available evidence is currently insufficient to determine the role of this variant in disease. Therefore, it has been classified as a Variant of Uncertain Significance.

NM_000548.5(TSC2):c.1625C>G (p.Pro542Arg)

Gene: TSC2 (TSC complex subunit 2; plus strand). Cytogenetic location: 16p13.3.
Variant type: single nucleotide variant.
Coding change: c.1625C>G on transcript NM_000548.5 (MANE Select); coding-DNA position 1625, C replaced by G.
Protein change: p.Pro542Arg; replaces proline 542 with arginine.
Molecular consequence: missense variant.
Genome position (GRCh38, 1-based): chr16:2,065,544, C>G. VCF-style: chr16-2065544-C-G. GRCh37 (hg19) VCF-style: chr16-2115545-C-G.
Other names: c.1625C>G, p.Pro542Arg (NM_001077183.3, NM_001114382.3, NM_001363528.2 and 3 more transcripts); c.1514C>G, p.Pro505Arg (NM_001318827.2); c.1478C>G, p.Pro493Arg (NM_001318829.2); c.1025C>G, p.Pro342Arg (NM_001318831.2); c.1658C>G, p.Pro553Arg (NM_001318832.2); short protein forms P542R, P553R, P342R, P505R, P493R.
Identifiers: ClinVar variation 406040 (VCV000406040.8), dbSNP rs764191178, ClinGen allele CA16615043.